The following is an entry in ClinVar:

NM_001136035.4(TRMT1):c.24_33del (p.Leu10fs)

Gene: TRMT1 (tRNA methyltransferase 1; minus strand). Cytogenetic location: 19p13.13.
Variant type: Deletion.
Coding change: c.24_33del on transcript NM_001136035.4 (MANE Select); coding-DNA positions 24 to 33, 10 bases deleted (AAGCCTCACT; older notation c.24_33delAAGCCTCACT).
Protein change: p.Leu10fs; shifts the reading frame from leucine 10.
Molecular consequence: frameshift variant. On other transcripts: 5 prime UTR variant (1), intron variant (1).
Genome position (GRCh38, 1-based): chr19:13,116,367-13,116,376, AGTGAGGCTT deleted on the plus strand (AAGCCTCACT on the coding strand, the reverse complement: TRMT1 is on the minus strand); deleting any 10 consecutive bases within chr19:13,116,367-13,116,378 gives the same sequence; the c. name uses the placement nearest the transcript's 3' end. VCF-style (leftmost placement, unchanged base first): chr19-13116366-AAGTGAGGCTT-A. GRCh37 (hg19) VCF-style: chr19-13227180-AAGTGAGGCTT-A.
Other names: c.24_33del, p.Leu10fs (NM_001142554.3, NM_001351760.2, NM_017722.5); c.-840_-831del (NM_001351762.2); c.-49-36_-49-27del (NM_001351761.2); c.24_33delAAGCCTCACT (NM_017722.5); short protein forms L10fs.
Identifiers: ClinVar variation 2502435 (VCV002502435.1), dbSNP rs750785552, ClinGen allele CA9238176.

ClinVar aggregate classification (germline): Likely pathogenic (1 of 4 stars; one submission).

Conditions:
Intellectual developmental disorder, autosomal recessive 68. Also called: MENTAL RETARDATION, AUTOSOMAL RECESSIVE 68. Identifiers: MedGen C4749033, MONDO:0032665, OMIM 618302.

Submission:

Lifecell International Pvt. Ltd
Classification: Likely pathogenic for Intellectual developmental disorder, autosomal recessive 68. Review status: criteria provided, single submitter. Criteria: ACMG Guidelines, 2015. Collection method: clinical testing. Allele origin: germline. Inheritance: Autosomal recessive inheritance. Affected: yes. Observed: 1 compound heterozygote.
Comment: A Heterozygous Frameshift variant c.24_33delAAGCCTCACT in Exon 1 of the TRMT1 gene that results in the amino acid substitution p.Leu10fs*72 was identified. The observed variant has a maximum allele frequency of 0.00004% and novel in gnomAD exomes and genomes, respectively. The severity of the impact of this variant on the protein is high, based on the effect of the protein and REVEL score . Rare Exome Variant Ensemble Learner (REVEL) is an ensembl method for predicting the pathogenicity of missense variants based on a combination of scores from 13 individual tools: MutPred, FATHMM v2.3, VEST 3.0, PolyPhen-2, SIFT, PROVEAN, MutationAssessor, MutationTaster, LRT, GERP++, SiPhy, phyloP, and phastCons. The REVEL score for an individual missense variant can range from 0 to 1, with higher scores reflecting greater likelihood that the variant is disease-causing. For these reasons, this variant has been classified as Likely Pathogenic.